The following is an entry in ClinVar:

ClinVar aggregate classification (germline): Uncertain significance. Review status: criteria provided, multiple submitters, no conflicts (2 of 4 stars). 4 submissions from 4 submitters: Uncertain significance (4). Last evaluated 2025-12-17.

Conditions:
Colorectal cancer. Also called: Malignant Colorectal Neoplasm; Colorectal cancer, somatic. Identifiers: MedGen C0346629, MONDO:0005575, OMIM 114500.
Oligodontia-cancer predisposition syndrome. Also called: TOOTH AGENESIS-COLORECTAL CANCER SYNDROME. Identifiers: Orphanet 300576, MedGen C1837750, MONDO:0012075, OMIM 608615. Disease mechanism: loss of function.
Hereditary cancer-predisposing syndrome. Also called: Hereditary neoplastic syndrome; Tumor predisposition; Neoplastic Syndromes, Hereditary; Hereditary Cancer Syndrome. Identifiers: Orphanet 140162, MedGen C0027672, MeSH D009386, MONDO:0015356.

Allele frequency attached by ClinVar (database versions not stated): gnomAD exomes below 0.00001.

Submissions (4):

Labcorp Genetics (formerly Invitae), Labcorp
Classification: Uncertain significance for Oligodontia-cancer predisposition syndrome. Last evaluated: 2025-12-17. Review status: criteria provided, single submitter. Criteria: Invitae Variant Classification Sherloc (09022015). Collection method: clinical testing. Allele origin: germline.
Comment: This sequence change replaces arginine, which is basic and polar, with glutamine, which is neutral and polar, at codon 656 of the AXIN2 protein (p.Arg656Gln). This variant is not present in population databases (gnomAD no frequency). This missense change has been observed in individual(s) with oligodontia (PMID: 33725141). ClinVar contains an entry for this variant (Variation ID: 533239). An algorithm developed to predict the effect of missense changes on protein structure and function outputs the following: PolyPhen-2: "Benign". The glutamine amino acid residue is found in multiple mammalian species, which suggests that this missense change does not adversely affect protein function. In summary, the available evidence is currently insufficient to determine the role of this variant in disease. Therefore, it has been classified as a Variant of Uncertain Significance.

Ambry Genetics
Classification: Uncertain significance for Hereditary cancer-predisposing syndrome. Last evaluated: 2025-08-01. Review status: criteria provided, single submitter. Criteria: Ambry Variant Classification Scheme 2023. Collection method: clinical testing. Allele origin: germline.
Comment: The p.R656Q variant (also known as c.1967G>A), located in coding exon 7 of the AXIN2 gene, results from a G to A substitution at nucleotide position 1967. The arginine at codon 656 is replaced by glutamine, an amino acid with highly similar properties. This amino acid position is highly conserved in available vertebrate species. In addition, this alteration is predicted to be tolerated by in silico analysis. Since supporting evidence is limited at this time, the clinical significance of this alteration remains unclear.

Blueprint Genetics
Classification: Uncertain significance. Last evaluated: 2024-05-13. Review status: criteria provided, single submitter. Criteria: ACMG Guidelines, 2015. Collection method: clinical testing. Allele origin: germline.

Baylor Genetics
Classification: Uncertain significance for Colorectal cancer. Last evaluated: 2023-05-25. Review status: criteria provided, single submitter. Criteria: ACMG Guidelines, 2015. Collection method: clinical testing. Allele origin: unknown.

Literature cited by the submitters: PubMed 33725141 (cited by Labcorp Genetics (formerly Invitae), Labcorp).

NM_004655.4(AXIN2):c.1967G>A (p.Arg656Gln)

Gene: AXIN2 (axin 2; minus strand). Cytogenetic location: 17q24.1.
Variant type: single nucleotide variant.
Coding change: c.1967G>A on transcript NM_004655.4 (MANE Select); coding-DNA position 1967, G replaced by A.
Protein change: p.Arg656Gln; replaces arginine 656 with glutamine.
Molecular consequence: missense variant.
Genome position (GRCh38, 1-based): chr17:65,536,494, C>T on the plus strand (G>A on the coding strand, the complement: AXIN2 is on the minus strand). VCF-style: chr17-65536494-C-T. GRCh37 (hg19) VCF-style: chr17-63532612-C-T.
Other names: c.1967G>A (LRG_296t1); c.1772G>A, p.Arg591Gln (NM_001363813.1); short protein forms R656Q, R591Q.
Identifiers: ClinVar variation 533239 (VCV000533239.13), dbSNP rs1555577180, ClinGen allele CA400676242.